The following is an entry in ClinVar:

NM_001136191.3(KANK2):c.1941G>A (p.Thr647=)

Gene: KANK2 (KN motif and ankyrin repeat domains 2; minus strand). Cytogenetic location: 19p13.2.
Variant type: single nucleotide variant.
Coding change: c.1941G>A on transcript NM_001136191.3 (MANE Select); coding-DNA position 1941, G replaced by A.
Protein change: p.Thr647=; no amino-acid change (threonine 647 retained).
Molecular consequence: synonymous variant.
Genome position (GRCh38, 1-based): chr19:11,174,600, C>T on the plus strand (G>A on the coding strand, the complement: KANK2 is on the minus strand). VCF-style: chr19-11174600-C-T. GRCh37 (hg19) VCF-style: chr19-11285276-C-T.
Other names: c.1941G>A, p.Thr647= (NM_001329451.2, NM_001379555.1, NM_001379556.1 and 7 more transcripts); c.1965G>A, p.Thr655= (NM_001379548.1, NM_001379549.1, NM_001379550.1 and 5 more transcripts); c.1965G>A (NM_015493.6).
Identifiers: ClinVar variation 2723213 (VCV002723213.5), dbSNP rs761812391, ClinGen allele CA9205452.
Genomic context (GRCh38, chr19:11,174,600, plus strand): 5'-GCCGTTGCTGTCGGCGATGTTGACCACGTAGTCCAGCAGCCGCGCAGACATGGCCCGGAA[C>T]GTGACCAGGTGCCGCCGCACCAGCTCGGGGTGTGCGTCGCTGCGGCAGGCCAGGCGCAGC-3'
Protein context (NP_001129663.1, residues 637-657): HPELVRRHLV[Thr647=]FRAMSARLLD

ClinVar aggregate classification (germline): Likely benign. Review status: criteria provided, single submitter (1 of 4 stars). 2 submissions from 2 submitters: Likely benign (1). 1 of the submissions does not count toward it. Last evaluated 2025-10-21.

Conditions:
KANK2-related disorder. Also called: KANK2-related condition.

Allele frequency attached by ClinVar (database versions not stated): ExAC 0.00002.
gnomAD v4.1: 63 of 1,612,912 alleles (0.0039%); highest among the groups gnomAD compares: Admixed American, 0.017%; no homozygotes.

Submissions (2):

Labcorp Genetics (formerly Invitae), Labcorp
Classification: Likely benign. Last evaluated: 2025-10-21. Review status: criteria provided, single submitter. Criteria: Invitae Variant Classification Sherloc (09022015). Collection method: clinical testing. Allele origin: germline.

PreventionGenetics, part of Exact Sciences
Classification: Likely benign for KANK2-related condition. Last evaluated: 2021-06-23. Review status: no assertion criteria provided. Collection method: clinical testing. Allele origin: germline. Not counted in ClinVar's aggregate classification.
Comment: This variant is classified as likely benign based on ACMG/AMP sequence variant interpretation guidelines (Richards et al. 2015 PMID: 25741868, with internal and published modifications).